The following is an entry in ClinVar:

ClinVar aggregate classification (germline): Pathogenic/Likely pathogenic. Review status: criteria provided, multiple submitters, no conflicts (2 of 4 stars). 7 submissions from 7 submitters: Pathogenic (1); Likely pathogenic (5). 1 of the submissions does not count toward it. Last evaluated 2025-12-15.

Conditions:
Hereditary cancer-predisposing syndrome. Also called: Tumor predisposition; Hereditary Cancer Syndrome; Hereditary neoplastic syndrome; Neoplastic Syndromes, Hereditary. Identifiers: Orphanet 140162, MedGen C0027672, MeSH D009386, MONDO:0015356.
Familial cancer of breast. Also called: Hereditary breast cancer; BREAST CANCER, FAMILIAL; hereditary breast carcinoma. Identifiers: Orphanet 227535, MedGen C0346153, MONDO:0016419, OMIM 114480. Disease mechanism: loss of function.
Ataxia-telangiectasia syndrome (AT). Also called: ATAXIA-TELANGIECTASIA, COMPLEMENTATION GROUP A; ATAXIA-TELANGIECTASIA, FRESNO VARIANT; Ataxia-telangiectasia; Ataxia telangiectasia (A-T); Cerebello-oculocutaneous telangiectasia; Immunodeficiency with ataxia telangiectasia. Identifiers: Orphanet 100, MedGen C0004135, MONDO:0008840, OMIM 208900.

Allele frequency attached by ClinVar (database versions not stated): gnomAD exomes below 0.00001.
gnomAD v4.1: 2 of 1,596,392 alleles (0.00013%); highest among the groups gnomAD compares: Non-Finnish European, 0.00017%; no homozygotes.

Submissions (7):

Labcorp Genetics (formerly Invitae), Labcorp
Classification: Pathogenic for Ataxia-telangiectasia syndrome. Last evaluated: 2025-12-15. Review status: criteria provided, single submitter. Criteria: Invitae Variant Classification Sherloc (09022015). Collection method: clinical testing. Allele origin: germline.
Comment: This sequence change affects an acceptor splice site in intron 26 of the ATM gene. RNA analysis indicates that disruption of this splice site induces altered splicing and may result in an absent or altered protein product. This variant is not present in population databases (gnomAD no frequency). Disruption of this splice site has been observed in individual(s) with pancreatic cancer (PMID: 35047863). ClinVar contains an entry for this variant (Variation ID: 370107). Studies have shown that disruption of this splice site results in skipping of exon 27 or activation of a cryptic splice site, and produces a non-functional protein and/or introduces a premature termination codon (internal data). For these reasons, this variant has been classified as Pathogenic.

Molecular Pathology, Peter Maccallum Cancer Centre
Classification: Likely pathogenic for Ataxia-telangiectasia syndrome. Last evaluated: 2025-05-29. Review status: criteria provided, single submitter. Criteria: ACMG Guidelines, 2015. Collection method: clinical testing. Allele origin: germline. Inheritance: Autosomal recessive inheritance.

Ambry Genetics
Classification: Likely pathogenic for Hereditary cancer-predisposing syndrome. Last evaluated: 2024-09-11. Review status: criteria provided, single submitter. Criteria: Ambry Variant Classification Scheme 2023. Collection method: clinical testing. Allele origin: germline.
Comment: The c.3994-1G>T intronic variant results from a G to T substitution one nucleotide upstream from coding exon 26 of the ATM gene. This variant is considered to be rare based on population cohorts in the Genome Aggregation Database (gnomAD). This nucleotide position is well conserved in available vertebrate species. In silico splice site analysis predicts that this alteration will weaken the native splice acceptor site and will result in the creation or strengthening of a novel splice acceptor site. RNA studies have demonstrated that this alteration results in abnormal splicing in the set of samples tested (Ambry internal data). Alterations that disrupt the canonical splice site are expected to cause aberrant splicing, resulting in an abnormal protein or a transcript that is subject to nonsense-mediated mRNA decay. As such, this alteration is classified as likely pathogenic.

Myriad Genetics, Inc.
Classification: Likely pathogenic for Familial cancer of breast. Last evaluated: 2024-01-23. Review status: criteria provided, single submitter. Criteria: Myriad Autosomal Dominant, Autosomal Recessive and X-Linked Classification Criteria (2023). Collection method: clinical testing. Allele origin: unknown.
Comment: This variant is considered likely pathogenic. This variant occurs within a consensus splice junction and is predicted to result in abnormal mRNA splicing of either an out-of-frame exon or an in-frame exon necessary for protein stability and/or normal function.

Baylor Genetics
Classification: Likely pathogenic for Familial cancer of breast. Last evaluated: 2022-09-30. Review status: criteria provided, single submitter. Criteria: ACMG Guidelines, 2015. Collection method: clinical testing. Allele origin: unknown.

Color Diagnostics, LLC DBA Color Health
Classification: Likely pathogenic for Hereditary cancer-predisposing syndrome. Last evaluated: 2019-10-11. Review status: criteria provided, single submitter. Criteria: ACMG Guidelines, 2015. Collection method: clinical testing. Allele origin: germline.
Comment: This variant causes a G>T nucleotide substitution at the -1 position of intron 26 of the ATM gene. Splice site prediction tools suggest that this variant may have a significant impact on RNA splicing. Although this prediction has not been confirmed in published RNA studies, this variant is expected to result in an absent or disrupted protein product. This variant has not been reported in individuals affected with hereditary cancer in the literature. This variant has not been identified in the general population by the Genome Aggregation Database (gnomAD). Loss of ATM function is a known mechanism of disease. Based on the available evidence, this variant is classified as Likely Pathogenic.

Counsyl
Classification: Likely pathogenic for Ataxia-telangiectasia syndrome. Last evaluated: 2015-11-18. Review status: no assertion criteria provided. Collection method: clinical testing. Allele origin: unknown. Not counted in ClinVar's aggregate classification.

Literature cited by the submitters: PubMed 35047863 (cited by Labcorp Genetics (formerly Invitae), Labcorp).

NM_000051.4(ATM):c.3994-1G>T

Gene: ATM (ATM serine/threonine kinase; plus strand). Cytogenetic location: 11q22.3.
Variant type: single nucleotide variant.
Coding change: c.3994-1G>T on transcript NM_000051.4 (MANE Select); the canonical splice acceptor site of the intron before coding-DNA position 3994, G replaced by T.
Molecular consequence: splice acceptor variant.
Genome position (GRCh38, 1-based): chr11:108,287,599, G>T. VCF-style: chr11-108287599-G-T. GRCh37 (hg19) VCF-style: chr11-108158326-G-T.
Other names: c.3994-1G>T (NM_001351834.2).
Identifiers: ClinVar variation 370107 (VCV000370107.22), dbSNP rs1057516238, ClinGen allele CA16041408.